The following is an entry in ClinVar:

NM_001958.5(EEF1A2):c.49G>C (p.Asp17His)

Gene: EEF1A2 (eukaryotic translation elongation factor 1 alpha 2; minus strand). Cytogenetic location: 20q13.33.
Variant type: single nucleotide variant.
Coding change: c.49G>C on transcript NM_001958.5 (MANE Select); coding-DNA position 49, G replaced by C.
Protein change: p.Asp17His; replaces aspartic acid 17 with histidine.
Molecular consequence: missense variant.
Genome position (GRCh38, 1-based): chr20:63,497,715, C>G on the plus strand (G>C on the coding strand, the complement: EEF1A2 is on the minus strand). VCF-style: chr20-63497715-C-G. GRCh37 (hg19) VCF-style: chr20-62129068-C-G.
Other names: short protein forms D17H.
Identifiers: ClinVar variation 830075 (VCV000830075.6), dbSNP rs2082424804, ClinGen allele CA409651889.

ClinVar aggregate classification (germline): Conflicting classifications of pathogenicity. Review status: criteria provided, conflicting classifications (1 of 4 stars). 2 submissions from 2 submitters: Likely pathogenic (1); Uncertain significance (1). Last evaluated 2021-09-01.

Conditions:
EEF1A2-related developmental and degenerative epileptic-dyskinetic encephalopathy.
Developmental and epileptic encephalopathy, 33 (DEE33). Also called: Epileptic encephalopathy, early infantile, 33. Identifiers: Orphanet 442835, MedGen C4225337, MONDO:0014625, OMIM 616409.

Submissions (2):

Labcorp Genetics (formerly Invitae), Labcorp
Classification: Uncertain significance for Developmental and epileptic encephalopathy, 33. Last evaluated: 2021-09-01. Review status: criteria provided, single submitter. Criteria: Invitae Variant Classification Sherloc (09022015). Collection method: clinical testing. Allele origin: germline.

Epilepsy Neurogenetics Initiative, Children's Hospital of Philadelphia
Classification: Likely pathogenic for EEF1A2-related developmental and degenerative epileptic-dyskinetic encephalopathy. Last evaluated: 2020-02-13. Review status: criteria provided, single submitter. Criteria: ACMG Guidelines, 2015. Collection method: research. Allele origin: de novo. Inheritance: Autosomal dominant inheritance. Affected: yes.
Comment: The EEF1A2 c.49G>C; Neuroimaging demonstrated delayed myelination and a thin corpus callosum. Therefore, this variant has been classified as likely pathogenic.